The following is an entry in ClinVar:

ClinVar aggregate classification (germline): Likely pathogenic (1 of 4 stars; one submission).

Conditions:
Nemaline myopathy 2 (NEM2). Also called: Nemaline myopathy 2, autosomal recessive. Identifiers: MedGen C1850569, MONDO:0009725, OMIM 256030.

Submission:

Myriad Genetics, Inc.
Classification: Likely pathogenic for Nemaline myopathy 2. Last evaluated: 2022-03-31. Review status: criteria provided, single submitter. Criteria: Myriad Women's Health Autosomal Recessive and X-Linked Classification Criteria (2021). Collection method: clinical testing. Allele origin: unknown.
Comment: NM_001271208.1(NEB):c.7058G>A(W2353*) is expected to be pathogenic in the context of NEB-related nemaline myopathy. This variant is predicted to lead to an abnormal or absent protein product due to the creation of a premature termination codon in NEB, a gene where loss-of-function variants are known to be pathogenic. Please note: this variant was assessed in the context of healthy population screening.

NM_001164508.2(NEB):c.7058G>A (p.Trp2353Ter)

Gene: NEB (nebulin; minus strand). Cytogenetic location: 2q23.3.
Variant type: single nucleotide variant.
Coding change: c.7058G>A on transcript NM_001164508.2 (MANE Select); coding-DNA position 7058, G replaced by A.
Protein change: p.Trp2353Ter; replaces tryptophan 2353 with a stop codon.
Molecular consequence: nonsense.
Genome position (GRCh38, 1-based): chr2:151,650,743, C>T on the plus strand (G>A on the coding strand, the complement: NEB is on the minus strand). VCF-style: chr2-151650743-C-T. GRCh37 (hg19) VCF-style: chr2-152507257-C-T.
Other names: c.7058G>A, p.Trp2353Ter (NM_001164507.2, NM_001271208.2, NM_004543.5); short protein forms W2353*.
Identifiers: ClinVar variation 1725737 (VCV001725737.2), dbSNP rs201221209, ClinGen allele CA348790224.